The following is an entry in ClinVar:

ClinVar aggregate classification (germline): Conflicting classifications of pathogenicity. Review status: criteria provided, conflicting classifications (1 of 4 stars). 3 submissions from 3 submitters: Uncertain significance (2); Likely benign (1). Last evaluated 2023-03-23.

Conditions:
Hereditary cancer-predisposing syndrome. Also called: Neoplastic Syndromes, Hereditary; Hereditary Cancer Syndrome; Tumor predisposition; Hereditary neoplastic syndrome. Identifiers: Orphanet 140162, MedGen C0027672, MeSH D009386, MONDO:0015356.
Hereditary breast ovarian cancer syndrome. Also called: BRCA1- and BRCA2-Associated Hereditary Breast and Ovarian Cancer; Hereditary breast and ovarian cancer; Hereditary breast and ovarian cancer syndrome; Hereditary breast and/or ovarian cancer syndrome; Hereditary breast and ovarian cancer syndrome (HBOC); Breast and ovarian cancer. Identifiers: Orphanet 145, MedGen C0677776, MeSH D061325, MONDO:0003582. Disease mechanism: loss of function.

Allele frequency attached by ClinVar (database versions not stated): gnomAD exomes below 0.00001; ExAC 0.00001.
gnomAD v4.1: 1 of 1,613,934 alleles (0.000062%); highest among the groups gnomAD compares: South Asian, 0.0011%; no homozygotes.

Submissions (3):

University of Washington Department of Laboratory Medicine, University of Washington
Classification: Likely benign for Hereditary cancer-predisposing syndrome. Last evaluated: 2023-03-23. Review status: criteria provided, single submitter. Criteria: Dines et al. (Genet Med. 2020). Collection method: curation. Allele origin: germline.
Comment: Missense variant in a coldspot region where missense variants are very unlikely to be pathogenic (PMID:31911673).

BRCA2 exon 11 coldspot. Reclassification based on statistical prior probability.

Labcorp Genetics (formerly Invitae), Labcorp
Classification: Uncertain significance for Hereditary breast ovarian cancer syndrome. Last evaluated: 2021-03-22. Review status: criteria provided, single submitter. Criteria: Invitae Variant Classification Sherloc (09022015). Collection method: clinical testing. Allele origin: germline.
Comment: This variant has not been reported in the literature in individuals with BRCA2-related conditions. This variant is present in population databases (rs769627725, ExAC 0.006%). This sequence change replaces threonine with alanine at codon 1803 of the BRCA2 protein (p.Thr1803Ala). The threonine residue is weakly conserved and there is a small physicochemical difference between threonine and alanine. Algorithms developed to predict the effect of missense changes on protein structure and function output the following: SIFT: "Tolerated"; PolyPhen-2: "Benign"; Align-GVGD: "Class C0". The alanine amino acid residue is found in multiple mammalian species, suggesting that this missense change does not adversely affect protein function. These predictions have not been confirmed by published functional studies and their clinical significance is uncertain. In summary, the available evidence is currently insufficient to determine the role of this variant in disease. Therefore, it has been classified as a Variant of Uncertain Significance.

Ambry Genetics
Classification: Uncertain significance for Hereditary cancer-predisposing syndrome. Last evaluated: 2021-01-15. Review status: criteria provided, single submitter. Criteria: Ambry Variant Classification Scheme 2023. Collection method: clinical testing. Allele origin: germline.
Comment: The p.T1803A variant (also known as c.5407A>G), located in coding exon 10 of the BRCA2 gene, results from an A to G substitution at nucleotide position 5407. The threonine at codon 1803 is replaced by alanine, an amino acid with similar properties. This amino acid position is not well conserved in available vertebrate species. In addition, this alteration is predicted to be tolerated by in silico analysis. Since supporting evidence is limited at this time, the clinical significance of this alteration remains unclear.

NM_000059.4(BRCA2):c.5407A>G (p.Thr1803Ala)

Gene: BRCA2 (BRCA2 DNA repair associated; plus strand). Cytogenetic location: 13q13.1.
Variant type: single nucleotide variant.
Coding change: c.5407A>G on transcript NM_000059.4 (MANE Select); coding-DNA position 5407, A replaced by G.
Protein change: p.Thr1803Ala; replaces threonine 1803 with alanine.
Molecular consequence: missense variant.
Genome position (GRCh38, 1-based): chr13:32,339,762, A>G. VCF-style: chr13-32339762-A-G. GRCh37 (hg19) VCF-style: chr13-32913899-A-G.
Other names: short protein forms T1803A.
Identifiers: ClinVar variation 971510 (VCV000971510.13), dbSNP rs769627725, ClinGen allele CA6940869.